The following is an entry in ClinVar:

ClinVar aggregate classification (germline): Uncertain significance (1 of 4 stars; one submission).

Submission:

Labcorp Genetics (formerly Invitae), Labcorp
Classification: Uncertain significance. Last evaluated: 2022-12-22. Review status: criteria provided, single submitter. Criteria: Invitae Variant Classification Sherloc (09022015). Collection method: clinical testing. Allele origin: germline.
Comment: This sequence change replaces glycine, which is neutral and non-polar, with valine, which is neutral and non-polar, at codon 829 of the SCN3A protein (p.Gly829Val). This variant is not present in population databases (gnomAD no frequency). This variant has not been reported in the literature in individuals affected with SCN3A-related conditions. Advanced modeling of protein sequence and biophysical properties (such as structural, functional, and spatial information, amino acid conservation, physicochemical variation, residue mobility, and thermodynamic stability) has been performed at Invitae for this missense variant, however the output from this modeling did not meet the statistical confidence thresholds required to predict the impact of this variant on SCN3A protein function. In summary, the available evidence is currently insufficient to determine the role of this variant in disease. Therefore, it has been classified as a Variant of Uncertain Significance.

NM_006922.4(SCN3A):c.2486G>T (p.Gly829Val)

Gene: SCN3A (sodium voltage-gated channel alpha subunit 3; minus strand). Cytogenetic location: 2q24.3.
Variant type: single nucleotide variant.
Coding change: c.2486G>T on transcript NM_006922.4 (MANE Select); coding-DNA position 2486, G replaced by T.
Protein change: p.Gly829Val; replaces glycine 829 with valine.
Molecular consequence: missense variant.
Genome position (GRCh38, 1-based): chr2:165,131,323, C>A on the plus strand (G>T on the coding strand, the complement: SCN3A is on the minus strand). VCF-style: chr2-165131323-C-A. GRCh37 (hg19) VCF-style: chr2-165987833-C-A.
Other names: c.2339G>T, p.Gly780Val (NM_001081676.2, NM_001081677.2); short protein forms G829V, G780V.
Identifiers: ClinVar variation 2823354 (VCV002823354.3), dbSNP rs866279241, ClinGen allele CA59735219.